The following is an entry in ClinVar:

NM_020163.3(SEMA3G):c.543C>T (p.Thr181=)

Gene: SEMA3G (semaphorin 3G; minus strand). Cytogenetic location: 3p21.1.
Variant type: single nucleotide variant.
Coding change: c.543C>T on transcript NM_020163.3 (MANE Select); coding-DNA position 543, C replaced by T.
Protein change: p.Thr181=; no amino-acid change (threonine 181 retained).
Molecular consequence: synonymous variant.
Genome position (GRCh38, 1-based): chr3:52,441,826, G>A on the plus strand (C>T on the coding strand, the complement: SEMA3G is on the minus strand). VCF-style: chr3-52441826-G-A. GRCh37 (hg19) VCF-style: chr3-52475842-G-A.
Identifiers: ClinVar variation 4977013 (VCV004977013.1).

ClinVar aggregate classification (germline): Likely benign (1 of 4 stars; one submission).

Conditions:
SEMA3G-related disorder. Also called: SEMA3G-related condition.

gnomAD v4.1: 79 of 1,607,426 alleles (0.0049%); highest among the groups gnomAD compares: South Asian, 0.082%; no homozygotes.

Submission:

PreventionGenetics, part of Exact Sciences
Classification: Likely benign for SEMA3G-related condition. Last evaluated: 2026-03-12. Review status: criteria provided, single submitter. Criteria: ACMG Guidelines, 2015. Collection method: clinical testing. Allele origin: germline.
Comment: This variant is classified as likely benign based on ACMG/AMP sequence variant interpretation guidelines (Richards et al. 2015 PMID: 25741868, with internal and published modifications).